The following is an entry in ClinVar:

NM_001082486.2(ACD):c.85G>A (p.Gly29Arg)

Gene: ACD (ACD shelterin complex subunit and telomerase recruitment factor; minus strand). Cytogenetic location: 16q22.1.
Variant type: single nucleotide variant.
Coding change: c.85G>A on transcript NM_001082486.2 (MANE Select); coding-DNA position 85, G replaced by A.
Protein change: p.Gly29Arg; replaces glycine 29 with arginine.
Molecular consequence: missense variant.
Genome position (GRCh38, 1-based): chr16:67,660,136, C>T on the plus strand (G>A on the coding strand, the complement: ACD is on the minus strand). VCF-style: chr16-67660136-C-T. GRCh37 (hg19) VCF-style: chr16-67694039-C-T.
Other names: c.85G>A, p.Gly29Arg (NM_001410884.1, NM_022914.3); short protein forms G29R.
Identifiers: ClinVar variation 1731460 (VCV001731460.2), dbSNP rs754815475, ClinGen allele CA396358159.

ClinVar aggregate classification (germline): Uncertain significance (1 of 4 stars; one submission).

Conditions:
Inborn genetic diseases. Identifiers: MedGen C0950123, MeSH D030342.

Submission:

Ambry Genetics
Classification: Uncertain significance for Inborn genetic diseases. Last evaluated: 2022-08-09. Review status: criteria provided, single submitter. Criteria: Ambry Variant Classification Scheme 2023. Collection method: clinical testing. Allele origin: germline.
Comment: The p.G115R variant (also known as c.343G>A), located in coding exon 1 of the ACD gene, results from a G to A substitution at nucleotide position 343. The glycine at codon 115 is replaced by arginine, an amino acid with dissimilar properties. This amino acid position is conserved. In addition, the in silico prediction for this alteration is inconclusive. Since supporting evidence is limited at this time, the clinical significance of this alteration remains unclear.